The following is an entry in ClinVar:

NC_000006.11:g.(?_10809023)_(10809195_?)del

Gene: MAK (male germ cell associated kinase; minus strand). Cytogenetic location: 6p24.2.
Variant type: Deletion.
Identifiers: ClinVar variation 3246153 (VCV003246153.1).

ClinVar aggregate classification (germline): Pathogenic (1 of 4 stars; one submission).

Submission:

Labcorp Genetics (formerly Invitae), Labcorp
Classification: Pathogenic. Last evaluated: 2023-11-07. Review status: criteria provided, single submitter. Criteria: Invitae Variant Classification Sherloc (09022015). Collection method: clinical testing. Allele origin: unknown.
Comment: This variant is a gross deletion of the genomic region encompassing exon(s) 5 of the MAK gene. This deletion is out-of-frame, and is expected to create a premature termination codon and result in an absent or disrupted protein product. Loss-of-function variants in MAK are known to be pathogenic (PMID: 21148103, 21825139, 24938718, 29781741). This variant has not been reported in the literature in individuals affected with MAK-related conditions. For these reasons, this variant has been classified as Pathogenic.

Literature cited by the submitters: PubMed 21148103; PubMed 21825139; PubMed 24938718; PubMed 29781741.